The following is an entry in ClinVar:

ClinVar aggregate classification (germline): Uncertain significance (1 of 4 stars; one submission).

Conditions:
Primary familial hypertrophic cardiomyopathy (HCM). Identifiers: Orphanet 99739, MedGen C0949658, MeSH D024741, MONDO:0024573. Inheritance: Various modes of inheritance.
Hypertrophic cardiomyopathy 25 (CMH25). Also called: CARDIOMYOPATHY, FAMILIAL HYPERTROPHIC, 25. Identifiers: MedGen C4225408, MONDO:0011843, OMIM 607487.

Submission:

Labcorp Genetics (formerly Invitae), Labcorp
Classification: Uncertain significance for Hypertrophic cardiomyopathy 25; Primary familial hypertrophic cardiomyopathy. Last evaluated: 2024-12-18. Review status: criteria provided, single submitter. Criteria: Invitae Variant Classification Sherloc (09022015). Collection method: clinical testing. Allele origin: germline.
Comment: This sequence change replaces leucine, which is neutral and non-polar, with phenylalanine, which is neutral and non-polar, at codon 152 of the TCAP protein (p.Leu152Phe). Information on the frequency of this variant in the gnomAD database is not available, as this variant may be reported differently in the database. This variant has not been reported in the literature in individuals affected with TCAP-related conditions. Experimental studies and prediction algorithms are not available or were not evaluated, and the functional significance of this variant is currently unknown. In summary, the available evidence is currently insufficient to determine the role of this variant in disease. Therefore, it has been classified as a Variant of Uncertain Significance.

NM_003673.4(TCAP):c.453_454delinsCT (p.Leu152Phe)

Gene: TCAP (titin-cap; plus strand). Cytogenetic location: 17q12.
Variant type: Indel.
Coding change: c.453_454delinsCT on transcript NM_003673.4 (MANE Select); coding-DNA positions 453 to 454, AC replaced by CT.
Protein change: p.Leu152Phe; replaces leucine 152 with phenylalanine.
Molecular consequence: missense variant.
Genome position (GRCh38, 1-based): chr17:39,666,058-39,666,059, AC replaced by CT. VCF-style: chr17-39666058-AC-CT. GRCh37 (hg19) VCF-style: chr17-37822311-AC-CT.
Other names: short protein forms L152F.
Identifiers: ClinVar variation 3750455 (VCV003750455.2).